The following is an entry in ClinVar:

ClinVar aggregate classification (germline): Pathogenic/Likely pathogenic. Review status: criteria provided, multiple submitters, no conflicts (2 of 4 stars). 7 submissions from 7 submitters: Pathogenic (1); Likely pathogenic (5). 1 of the submissions does not count toward it. Last evaluated 2025-12-15.

Conditions:
Hereditary cancer-predisposing syndrome. Also called: Tumor predisposition; Hereditary Cancer Syndrome; Neoplastic Syndromes, Hereditary; Hereditary neoplastic syndrome. Identifiers: Orphanet 140162, MedGen C0027672, MeSH D009386, MONDO:0015356.
Familial cancer of breast. Also called: Hereditary breast cancer; BREAST CANCER, FAMILIAL; hereditary breast carcinoma. Identifiers: Orphanet 227535, MedGen C0346153, MONDO:0016419, OMIM 114480. Disease mechanism: loss of function.
Fanconi anemia complementation group J. Also called: BRIP1-Related Fanconi Anemia. Identifiers: Orphanet 84, MedGen C1836860, MONDO:0012187, OMIM 609054.
Ovarian cancer. Also called: OVARIAN CANCER, SOMATIC. Identifiers: Orphanet 213500, MedGen C1140680, MONDO:0008170, OMIM 167000.

Allele frequency attached by ClinVar (database versions not stated): TOPMed below 0.00001.

Submissions (7):

Ambry Genetics
Classification: Likely pathogenic for Hereditary cancer-predisposing syndrome. Last evaluated: 2025-12-15. Review status: criteria provided, single submitter. Criteria: Ambry Variant Classification Scheme 2023. Collection method: clinical testing. Allele origin: germline.
Comment: The c.1474-1G>A intronic variant results from a G to A substitution one nucleotide upstream from coding exon 10 of the BRIP1 gene. This nucleotide position is highly conserved in available vertebrate species. In silico splice site analysis predicts that this alteration will weaken the native splice acceptor site; however, direct evidence is insufficient at this time (Ambry internal data). Alterations that disrupt the canonical splice site are expected to cause aberrant splicing, resulting in an abnormal protein or a transcript that is subject to nonsense-mediated mRNA decay. As such, this alteration is classified as likely pathogenic.

Labcorp Genetics (formerly Invitae), Labcorp
Classification: Pathogenic for Familial cancer of breast; Fanconi anemia complementation group J. Last evaluated: 2025-10-14. Review status: criteria provided, single submitter. Criteria: Invitae Variant Classification Sherloc (09022015). Collection method: clinical testing. Allele origin: germline.
Comment: This sequence change affects an acceptor splice site in intron 10 of the BRIP1 gene. RNA analysis indicates that disruption of this splice site induces altered splicing and may result in an absent or altered protein product. This variant is not present in population databases (gnomAD no frequency). This variant has not been reported in the literature in individuals affected with BRIP1-related conditions. ClinVar contains an entry for this variant (Variation ID: 481627). Studies have shown that disruption of this splice site results in skipping of exon 11, and produces a non-functional protein and/or introduces a premature termination codon (internal data). For these reasons, this variant has been classified as Pathogenic.

Quest Diagnostics Nichols Institute San Juan Capistrano
Classification: Likely pathogenic. Last evaluated: 2024-10-17. Review status: criteria provided, single submitter. Criteria: Quest Diagnostics criteria. Collection method: clinical testing. Allele origin: unknown.
Comment: The BRIP1 c.1474-1G>A variant disrupts a canonical splice-acceptor site and is predicted to interfere with normal BRIP1 mRNA splicing. This variant has not been reported in individuals with BRIP1-related conditions in the published literature. This variant has not been reported in large, multi-ethnic general populations (Genome Aggregation Database). Based on the available information, this variant is classified as likely pathogenic.

Myriad Genetics, Inc.
Classification: Likely pathogenic for Familial cancer of breast. Last evaluated: 2023-02-27. Review status: criteria provided, single submitter. Criteria: Myriad Autosomal Dominant, Autosomal Recessive and X-Linked Classification Criteria (2023). Collection method: clinical testing. Allele origin: unknown.
Comment: This variant is considered likely pathogenic. This variant occurs within a consensus splice junction and is predicted to result in abnormal mRNA splicing of either an out-of-frame exon or an in-frame exon necessary for protein stability and/or normal function.

Baylor Genetics
Classification: Likely pathogenic for Familial cancer of breast. Last evaluated: 2022-07-31. Review status: criteria provided, single submitter. Criteria: ACMG Guidelines, 2015. Collection method: clinical testing. Allele origin: unknown.

Women's Health and Genetics/Laboratory Corporation of America, LabCorp
Classification: Likely pathogenic for Familial cancer of breast. Last evaluated: 2018-09-07. Review status: criteria provided, single submitter. Criteria: LabCorp Variant Classification Summary - May 2015. Collection method: clinical testing. Allele origin: germline.
Comment: Variant summary: BRIP1 c.1474-1G>A is located in a canonical splice-site and is predicted to affect mRNA splicing resulting in a significantly altered protein due to either exon skipping, shortening, or inclusion of intronic material. Several computational tools predict a significant impact on normal splicing: Three predict the variant abolishes a 5' splicing donor site and also introduces a cryptic 5' donor site 1bp into the exon, which is predicted to lead to a frameshift and truncated or absent protein. However, these predictions have yet to be confirmed by functional studies. The variant was absent in 246022 control chromosomes (gnomAD). To our knowledge, no occurrence of c.1474-1G>A in individuals affected with Hereditary Breast and Ovarian Cancer and no experimental evidence demonstrating its impact on protein function have been reported. Two clinical diagnostic laboratories have submitted clinical-significance assessments for this variant to ClinVar after 2014 and both classified the variant as likely pathogenic. Based on the evidence outlined above, the variant was classified as likely pathogenic.

Counsyl
Classification: Likely pathogenic for Fanconi anemia complementation group J; Ovarian cancer. Last evaluated: 2017-08-18. Review status: no assertion criteria provided. Collection method: clinical testing. Allele origin: unknown. Not counted in ClinVar's aggregate classification.

NM_032043.3(BRIP1):c.1474-1G>A

Gene: BRIP1 (BRCA1 interacting DNA helicase 1; minus strand). Cytogenetic location: 17q23.2.
Variant type: single nucleotide variant.
Coding change: c.1474-1G>A on transcript NM_032043.3 (MANE Select); the canonical splice acceptor site of the intron before coding-DNA position 1474, G replaced by A.
Molecular consequence: splice acceptor variant.
Genome position (GRCh38, 1-based): chr17:61,784,425, C>T on the plus strand (G>A on the coding strand, the complement: BRIP1 is on the minus strand). VCF-style: chr17-61784425-C-T. GRCh37 (hg19) VCF-style: chr17-59861786-C-T.
Identifiers: ClinVar variation 481627 (VCV000481627.21), dbSNP rs1555603638, ClinGen allele CA400481794.